The following is an entry in ClinVar:

ClinVar aggregate classification (germline): Uncertain significance. Review status: criteria provided, multiple submitters, no conflicts (2 of 4 stars). 3 submissions from 3 submitters: Uncertain significance (3). Last evaluated 2026-04-10.

Conditions:
MAP1B-related disorder. Also called: MAP1B-related condition.
Periventricular nodular heterotopia 9. Identifiers: MedGen C5394503, MONDO:0030061, OMIM 618918.
Inborn genetic diseases. Identifiers: MedGen C0950123, MeSH D030342.

Allele frequency attached by ClinVar (database versions not stated): ExAC 0.00001; gnomAD exomes 0.00001 and 0.00002; gnomAD 0.00003 and 0.00004; TOPMed 0.00007.
gnomAD v4.1: 37 of 1,614,024 alleles (0.0023%); highest among the groups gnomAD compares: African/African-American, 0.004%; no homozygotes.

Submissions (3):

PreventionGenetics, part of Exact Sciences
Classification: Uncertain significance for MAP1B-related condition. Last evaluated: 2026-04-10. Review status: criteria provided, single submitter. Criteria: ACMG Guidelines, 2015. Collection method: clinical testing. Allele origin: germline.
Comment: The MAP1B c.5011A>G variant is predicted to result in the amino acid substitution p.Thr1671Ala. To our knowledge, this variant has not been reported in the literature. This variant is reported in 0.0018% of alleles in individuals of European (Non-Finnish) descent in gnomAD. At this time, the clinical significance of this variant is uncertain due to the absence of conclusive functional and genetic evidence.

Ambry Genetics
Classification: Uncertain significance for Inborn genetic diseases. Last evaluated: 2025-09-01. Review status: criteria provided, single submitter. Criteria: Ambry Variant Classification Scheme 2023. Collection method: clinical testing. Allele origin: germline.

New York Genome Center
Classification: Uncertain significance for Periventricular nodular heterotopia 9. Last evaluated: 2021-05-07. Review status: criteria provided, single submitter. Criteria: NYGC Assertion Criteria 2020. Collection method: clinical testing. Allele origin: inherited. Observed: 1 heterozygote. Study: CSER-NYCKidSeq.

NM_005909.5(MAP1B):c.5011A>G (p.Thr1671Ala)

Gene: MAP1B (microtubule associated protein 1B; plus strand). Cytogenetic location: 5q13.2.
Variant type: single nucleotide variant.
Coding change: c.5011A>G on transcript NM_005909.5 (MANE Select); coding-DNA position 5011, A replaced by G.
Protein change: p.Thr1671Ala; replaces threonine 1671 with alanine.
Molecular consequence: missense variant.
Genome position (GRCh38, 1-based): chr5:72,198,366, A>G. VCF-style: chr5-72198366-A-G. GRCh37 (hg19) VCF-style: chr5-71494193-A-G.
Other names: c.5011A>G (NM_005909.3, NM_005909.4); c.4633A>G, p.Thr1545Ala (NM_001324255.2); short protein forms T1545A, T1671A.
Identifiers: ClinVar variation 1679688 (VCV001679688.5), dbSNP rs780751457, ClinGen allele CA3299241.
Genomic context (GRCh38, chr5:72,198,366, plus strand): 5'-CAAGAATCTCCTGAGCAATCCCTTGCTATGGACTTCAGTCGACAGTCTCCAGATCACCCT[A>G]CAGTGGGTGCAGGCGTGCTTCACATCACTGAAAATGGGCCAACTGAAGTGGACTACAGTC-3'
Protein context (NP_005900.2, residues 1661-1681): DFSRQSPDHP[Thr1671Ala]VGAGVLHITE